The following is an entry in ClinVar:

NM_213720.3(CHCHD10):c.-6G>T

Gene: CHCHD10 (coiled-coil-helix-coiled-coil-helix domain containing 10; minus strand). Cytogenetic location: 22q11.23.
Variant type: single nucleotide variant.
Coding change: c.-6G>T on transcript NM_213720.3 (MANE Select); 6 bases upstream of the start codon, G replaced by T.
Molecular consequence: 5 prime UTR variant. On other transcripts: non-coding transcript variant (2).
Genome position (GRCh38, 1-based): chr22:23,767,880, C>A on the plus strand (G>T on the coding strand, the complement: CHCHD10 is on the minus strand). VCF-style: chr22-23767880-C-A. GRCh37 (hg19) VCF-style: chr22-24110067-C-A.
Other names: c.-6G>T (NM_001301339.2).
Identifiers: ClinVar variation 3032344 (VCV003032344.2), dbSNP rs753848957, ClinGen allele CA10145336.

ClinVar aggregate classification (germline): Likely benign (0 of 4 stars; one submission).

Conditions:
CHCHD10-related disorder. Also called: CHCHD10-Related Disorders; CHCHD10-related condition. Identifiers: MedGen CN381526.

Allele frequency attached by ClinVar (database versions not stated): ExAC 0.00002; gnomAD 0.00002; TOPMed 0.00002.
gnomAD v4.1: 32 of 1,507,194 alleles (0.0021%); highest among the groups gnomAD compares: Non-Finnish European, 0.0028%; no homozygotes.

Submission:

PreventionGenetics, part of Exact Sciences
Classification: Likely benign for CHCHD10-related condition. Last evaluated: 2020-10-23. Review status: no assertion criteria provided. Collection method: clinical testing. Allele origin: germline.
Comment: This variant is classified as likely benign based on ACMG/AMP sequence variant interpretation guidelines (Richards et al. 2015 PMID: 25741868, with internal and published modifications).